The following is an entry in ClinVar:

NM_005633.4(SOS1):c.836T>C (p.Val279Ala)

Gene: SOS1 (SOS Ras/Rac guanine nucleotide exchange factor 1; minus strand). Cytogenetic location: 2p22.1.
Variant type: single nucleotide variant.
Coding change: c.836T>C on transcript NM_005633.4 (MANE Select); coding-DNA position 836, T replaced by C.
Protein change: p.Val279Ala; replaces valine 279 with alanine.
Molecular consequence: missense variant.
Genome position (GRCh38, 1-based): chr2:39,051,172, A>G on the plus strand (T>C on the coding strand, the complement: SOS1 is on the minus strand). VCF-style: chr2-39051172-A-G. GRCh37 (hg19) VCF-style: chr2-39278313-A-G.
Other names: c.815T>C, p.Val272Ala (NM_001382394.1); c.836T>C, p.Val279Ala (NM_001382395.1); short protein forms V272A, V279A.
Identifiers: ClinVar variation 981561 (VCV000981561.2), dbSNP rs2529154757, ClinGen allele CA346367604.

ClinVar aggregate classification (germline): Uncertain significance. Review status: criteria provided, single submitter (1 of 4 stars). 2 submissions from 2 submitters: Uncertain significance (1). 1 of the submissions does not count toward it. Last evaluated 2025-05-24.

Conditions:
Cardiovascular phenotype. Identifiers: MedGen CN230736.
Noonan syndrome (NS). Also called: Noonan's syndrome. Identifiers: Orphanet 648, MedGen C0028326, MeSH D009634, MONDO:0018997. Disease mechanism: gain of function.

Allele frequency attached by ClinVar (database versions not stated): gnomAD exomes below 0.00001.
gnomAD v4.1: 1 of 1,613,766 alleles (0.000062%); highest among the groups gnomAD compares: Non-Finnish European, 0.000085%; no homozygotes.

Submissions (2):

Ambry Genetics
Classification: Uncertain significance for Cardiovascular phenotype. Last evaluated: 2025-05-24. Review status: criteria provided, single submitter. Criteria: Ambry Variant Classification Scheme 2023. Collection method: clinical testing. Allele origin: germline.
Comment: The p.V279A variant (also known as c.836T>C), located in coding exon 6 of the SOS1 gene, results from a T to C substitution at nucleotide position 836. The valine at codon 279 is replaced by alanine, an amino acid with similar properties. This amino acid position is conserved. In addition, the in silico prediction for this alteration is inconclusive. Based on the available evidence, the clinical significance of this variant remains unclear.

Service de Génétique Moléculaire, Hôpital Robert Debré
Classification: Likely benign for Noonan syndrome. Review status: no assertion criteria provided. Collection method: clinical testing. Allele origin: paternal. Affected: no. Not counted in ClinVar's aggregate classification.